The following is an entry in ClinVar:

NM_000095.3(COMP):c.1411G>C (p.Asp471His)

Gene: COMP (cartilage oligomeric matrix protein; minus strand). Cytogenetic location: 19p13.11.
Variant type: single nucleotide variant.
Coding change: c.1411G>C on transcript NM_000095.3 (MANE Select); coding-DNA position 1411, G replaced by C.
Protein change: p.Asp471His; replaces aspartic acid 471 with histidine.
Molecular consequence: missense variant.
Genome position (GRCh38, 1-based): chr19:18,786,043, C>G on the plus strand (G>C on the coding strand, the complement: COMP is on the minus strand). VCF-style: chr19-18786043-C-G. GRCh37 (hg19) VCF-style: chr19-18896853-C-G.
Other names: short protein forms D471H.
Identifiers: ClinVar variation 3031010 (VCV003031010.4), dbSNP rs28933699, ClinGen allele CA404884598.
Genomic context (GRCh38, chr19:18,786,043, plus strand): 5'-CGGGGTTAGGCACCAGGCGGCAGTTGTCCCGACTGTCAGGGACTCCGTCATTGTCGTCGT[C>G]GTCGTCGCAGGCATCACCCTGGCCATCGTGGTCTGAGTCCTCCTGGGCACTGTTAGGCAC-3'
Protein context (NP_000086.2, residues 461-481): HDGQGDACDD[Asp471His]DDNDGVPDSR

ClinVar aggregate classification (germline): Likely pathogenic. Review status: criteria provided, single submitter (1 of 4 stars). 2 submissions from 2 submitters: Likely pathogenic (1). 1 of the submissions does not count toward it. Last evaluated 2024-04-27.

Conditions:
COMP-related disorder. Also called: COMP-related disorders; COMP-related condition.

Submissions (2):

Labcorp Genetics (formerly Invitae), Labcorp
Classification: Likely pathogenic. Last evaluated: 2024-04-27. Review status: criteria provided, single submitter. Criteria: Invitae Variant Classification Sherloc (09022015). Collection method: clinical testing. Allele origin: germline.
Comment: This sequence change replaces aspartic acid, which is acidic and polar, with histidine, which is basic and polar, at codon 471 of the COMP protein (p.Asp471His). This variant is not present in population databases (gnomAD no frequency). This missense change has been observed in individual(s) with multiple epiphyseal dysplasia (Invitae). Advanced modeling of protein sequence and biophysical properties (such as structural, functional, and spatial information, amino acid conservation, physicochemical variation, residue mobility, and thermodynamic stability) performed at Invitae indicates that this missense variant is expected to disrupt COMP protein function with a positive predictive value of 80%. This variant disrupts the p.Asp471 amino acid residue in COMP. Other variant(s) that disrupt this residue have been observed in individuals with COMP-related conditions (PMID: 15523619, 15756302), which suggests that this may be a clinically significant amino acid residue. In summary, the currently available evidence indicates that the variant is pathogenic, but additional data are needed to prove that conclusively. Therefore, this variant has been classified as Likely Pathogenic.

PreventionGenetics, part of Exact Sciences
Classification: Likely pathogenic for COMP-related condition. Last evaluated: 2024-03-18. Review status: no assertion criteria provided. Collection method: clinical testing. Allele origin: germline. Not counted in ClinVar's aggregate classification.
Comment: The COMP c.1411G>C variant is predicted to result in the amino acid substitution p.Asp471His. To our knowledge, this variant has not been reported in the literature or in a large population database, indicating this variant is rare. Different variants affecting the same amino acid (p.Asp471Ala and p.Asp471Gly) were reported in individuals with pseudoachondroplasia (Nakashima. 2005. PubMed ID: 15523619; Kennedy. 2005. PubMed ID: 15756302). Taken together, this variant is interpreted as likely pathogenic.

Literature cited by the submitters: PubMed 15523619 (cited by Labcorp Genetics (formerly Invitae), Labcorp); PubMed 15756302 (cited by Labcorp Genetics (formerly Invitae), Labcorp).